The following is an entry in ClinVar:

NM_001385641.1(SAMD11):c.863C>G (p.Thr288Ser)

Gene: SAMD11 (sterile alpha motif domain containing 11; plus strand). Cytogenetic location: 1p36.33.
Variant type: single nucleotide variant.
Coding change: c.863C>G on transcript NM_001385641.1 (MANE Select); coding-DNA position 863, C replaced by G.
Protein change: p.Thr288Ser; replaces threonine 288 with serine.
Molecular consequence: missense variant.
Genome position (GRCh38, 1-based): chr1:935,792, C>G. VCF-style: chr1-935792-C-G. GRCh37 (hg19) VCF-style: chr1-871172-C-G.
Other names: c.863C>G, p.Thr288Ser (NM_001385640.1); c.326C>G, p.Thr109Ser (NM_152486.4); c.326C>G (NM_152486.2); short protein forms T109S, T288S.
Identifiers: ClinVar variation 1484814 (VCV001484814.6), dbSNP rs753652680, ClinGen allele CA502557.

ClinVar aggregate classification (germline): Uncertain significance. Review status: criteria provided, multiple submitters, no conflicts (2 of 4 stars). 2 submissions from 2 submitters: Uncertain significance (2). Last evaluated 2025-11-26.

Allele frequency attached by ClinVar (database versions not stated): gnomAD 0.00003 and 0.00004; TOPMed 0.00004.
gnomAD v4.1: 80 of 1,613,318 alleles (0.005%); highest among the groups gnomAD compares: Admixed American, 0.015%; no homozygotes.

Submissions (2):

Ambry Genetics
Classification: Uncertain significance. Last evaluated: 2025-11-26. Review status: criteria provided, single submitter. Criteria: Ambry Variant Classification Scheme 2023. Collection method: clinical testing. Allele origin: germline.

Labcorp Genetics (formerly Invitae), Labcorp
Classification: Uncertain significance. Last evaluated: 2022-01-11. Review status: criteria provided, single submitter. Criteria: Invitae Variant Classification Sherloc (09022015). Collection method: clinical testing. Allele origin: germline.
Comment: In summary, the available evidence is currently insufficient to determine the role of this variant in disease. Therefore, it has been classified as a Variant of Uncertain Significance. Algorithms developed to predict the effect of missense changes on protein structure and function output the following: SIFT: "Deleterious"; PolyPhen-2: "Benign"; Align-GVGD: "Class C0". The serine amino acid residue is found in multiple mammalian species, which suggests that this missense change does not adversely affect protein function. This variant has not been reported in the literature in individuals affected with SAMD11-related conditions. The frequency data for this variant in the population databases is considered unreliable, as metrics indicate poor data quality at this position in the gnomAD database. This sequence change replaces threonine, which is neutral and polar, with serine, which is neutral and polar, at codon 109 of the SAMD11 protein (p.Thr109Ser).